The following is an entry in ClinVar:

NM_001079843.3(CASZ1):c.5112GGACGACGACGA[1] (p.1704EDDD[1])

Gene: CASZ1 (castor zinc finger 1; minus strand). Cytogenetic location: 1p36.22.
Variant type: Microsatellite.
Coding change: c.5112GGACGACGACGA[1] on transcript NM_001079843.3 (MANE Select); one copy of the 12-base unit GGACGACGACGA starting at c.5112; the reference has two copies in a row; one copy, 12 bases deleted.
Protein change: p.1704EDDD[1].
Molecular consequence: inframe deletion.
Genome position (GRCh38, 1-based): chr1:10,639,087-10,639,098, TCGTCGTCGTCC deleted on the plus strand (GGACGACGACGA on the coding strand, the reverse complement: CASZ1 is on the minus strand); deleting any 12 consecutive bases within chr1:10,639,087-10,639,121 gives the same sequence; the position shown is the placement nearest the transcript's 3' end. VCF-style (leftmost placement, unchanged base first): chr1-10639086-GTCGTCGTCGTCC-G. GRCh37 (hg19) VCF-style: chr1-10699143-GTCGTCGTCGTCC-G.
Other names: c.5124_5135del12 (NM_001079843.2).
Identifiers: ClinVar variation 774786 (VCV000774786.35), dbSNP rs770782033, ClinGen allele CA584066.
Genomic context (GRCh38, chr1:10,639,086, plus strand): 5'-GCCCGCCGCCTCCGCCGCCGCCTCGGGCAGCGACTCCTCCGAGTCGGTGCGCAGGTCCTC[GTCGTCGTCGTCC>G]TCGTCGTCGTCCTCGTCGTCGTCGTCCTCGTCGTCGTCCTCGTCCTCGTCGTCTTCGGCC-3'

ClinVar aggregate classification (germline): Likely benign. Review status: criteria provided, multiple submitters, no conflicts (2 of 4 stars). 4 submissions from 4 submitters: Likely benign (3). 1 of the submissions does not count toward it. Last evaluated 2026-08-01.

Conditions:
CASZ1-related disorder. Also called: CASZ1-related condition.

Submissions (4):

CeGaT Center for Human Genetics Tuebingen
Classification: Likely benign. Last evaluated: 2026-08-01. Review status: criteria provided, single submitter. Criteria: CeGaT Center For Human Genetics Tuebingen Variant Classification Criteria Version 2. Collection method: clinical testing. Allele origin: germline. Affected: yes. Observed: 13 variant alleles.
Comment: CASZ1: BS2

Labcorp Genetics (formerly Invitae), Labcorp
Classification: Likely benign. Last evaluated: 2026-01-25. Review status: criteria provided, single submitter. Criteria: Invitae Variant Classification Sherloc (09022015). Collection method: clinical testing. Allele origin: germline.

Blueprint Genetics
Classification: Likely benign. Last evaluated: 2024-11-26. Review status: criteria provided, single submitter. Criteria: ACMG Guidelines, 2015. Collection method: clinical testing. Allele origin: germline.

PreventionGenetics, part of Exact Sciences
Classification: Likely benign for CASZ1-related condition. Last evaluated: 2022-05-10. Review status: no assertion criteria provided. Collection method: clinical testing. Allele origin: germline. Not counted in ClinVar's aggregate classification.
Comment: This variant is classified as likely benign based on ACMG/AMP sequence variant interpretation guidelines (Richards et al. 2015 PMID: 25741868, with internal and published modifications).